The following is an entry in ClinVar:

NM_001849.4(COL6A2):c.557G>A (p.Arg186Gln)

Gene: COL6A2 (collagen type VI alpha 2 chain; plus strand). Cytogenetic location: 21q22.3.
Variant type: single nucleotide variant.
Coding change: c.557G>A on transcript NM_001849.4 (MANE Select); coding-DNA position 557, G replaced by A.
Protein change: p.Arg186Gln; replaces arginine 186 with glutamine.
Molecular consequence: missense variant.
Genome position (GRCh38, 1-based): chr21:46,112,420, G>A. VCF-style: chr21-46112420-G-A. GRCh37 (hg19) VCF-style: chr21-47532334-G-A.
Other names: c.557G>A, p.Arg186Gln (NM_058174.3, NM_058175.3); short protein forms R186Q.
Identifiers: ClinVar variation 579437 (VCV000579437.9), dbSNP rs376291264, ClinGen allele CA10071336.

ClinVar aggregate classification (germline): Uncertain significance (1 of 4 stars; one submission).

Conditions:
Bethlem myopathy 1A. Also called: Bethlem myopathy 1; MYOPATHY, BENIGN CONGENITAL, WITH CONTRACTURES; Bethlem Muscular Dystrophy. Identifiers: Orphanet 610, MedGen CN029274, MONDO:0024530, OMIM 158810.

Allele frequency attached by ClinVar (database versions not stated): gnomAD 0.00002 and 0.00003; TOPMed 0.00002; gnomAD exomes 0.00003; ExAC 0.00005; ESP Exome Variant Server 0.00008; 1000 Genomes Project 0.00020; 1000 Genomes Project 30x 0.00031.
gnomAD v4.1: 56 of 1,609,016 alleles (0.0035%); highest among the groups gnomAD compares: South Asian, 0.014%; no homozygotes.

Submission:

Labcorp Genetics (formerly Invitae), Labcorp
Classification: Uncertain significance for Bethlem myopathy 1A. Last evaluated: 2025-03-05. Review status: criteria provided, single submitter. Criteria: Invitae Variant Classification Sherloc (09022015). Collection method: clinical testing. Allele origin: germline.
Comment: This sequence change replaces arginine, which is basic and polar, with glutamine, which is neutral and polar, at codon 186 of the COL6A2 protein (p.Arg186Gln). This variant is present in population databases (rs376291264, gnomAD 0.01%). This variant has not been reported in the literature in individuals affected with COL6A2-related conditions. ClinVar contains an entry for this variant (Variation ID: 579437). Invitae Evidence Modeling of protein sequence and biophysical properties (such as structural, functional, and spatial information, amino acid conservation, physicochemical variation, residue mobility, and thermodynamic stability) indicates that this missense variant is not expected to disrupt COL6A2 protein function with a negative predictive value of 80%. In summary, the available evidence is currently insufficient to determine the role of this variant in disease. Therefore, it has been classified as a Variant of Uncertain Significance.